The following is an entry in ClinVar:

ClinVar aggregate classification (germline): Uncertain significance. Review status: criteria provided, multiple submitters, no conflicts (2 of 4 stars). 2 submissions from 2 submitters: Uncertain significance (2). Last evaluated 2025-09-23.

gnomAD v4.1: 266 of 1,552,702 alleles (0.017%); highest among the groups gnomAD compares: Non-Finnish European, 0.022%; no homozygotes.

Submissions (2):

Labcorp Genetics (formerly Invitae), Labcorp
Classification: Uncertain significance. Last evaluated: 2025-09-23. Review status: criteria provided, single submitter. Criteria: Invitae Variant Classification Sherloc (09022015). Collection method: clinical testing. Allele origin: germline.
Comment: This sequence change replaces alanine, which is neutral and non-polar, with serine, which is neutral and polar, at codon 606 of the COL9A3 protein (p.Ala606Ser). The frequency data for this variant in the population databases is considered unreliable, as metrics indicate poor data quality at this position in the gnomAD database. This variant has not been reported in the literature in individuals affected with COL9A3-related conditions. ClinVar contains an entry for this variant (Variation ID: 1475124). Invitae Evidence Modeling of protein sequence and biophysical properties (such as structural, functional, and spatial information, amino acid conservation, physicochemical variation, residue mobility, and thermodynamic stability) indicates that this missense variant is not expected to disrupt COL9A3 protein function with a negative predictive value of 95%. In summary, the available evidence is currently insufficient to determine the role of this variant in disease. Therefore, it has been classified as a Variant of Uncertain Significance.

GeneDx
Classification: Uncertain significance. Last evaluated: 2024-07-15. Review status: criteria provided, single submitter. Criteria: GeneDx Variant Classification Process June 2021. Collection method: clinical testing. Allele origin: germline. Affected: yes.
Comment: Has not been previously published as pathogenic or benign to our knowledge; In silico analysis indicates that this missense variant does not alter protein structure/function

NM_001853.4(COL9A3):c.1816G>T (p.Ala606Ser)

Gene: COL9A3 (collagen type IX alpha 3 chain; plus strand). Cytogenetic location: 20q13.33.
Variant type: single nucleotide variant.
Coding change: c.1816G>T on transcript NM_001853.4 (MANE Select); coding-DNA position 1816, G replaced by T.
Protein change: p.Ala606Ser; replaces alanine 606 with serine.
Molecular consequence: missense variant.
Genome position (GRCh38, 1-based): chr20:62,838,713, G>T. VCF-style: chr20-62838713-G-T. GRCh37 (hg19) VCF-style: chr20-61470065-G-T.
Other names: c.1816G>T (NM_001853.3); short protein forms A606S.
Identifiers: ClinVar variation 1475124 (VCV001475124.9), dbSNP rs142792529, ClinGen allele CA9950215.